The following is an entry in ClinVar:

ClinVar aggregate classification (germline): Uncertain significance. Review status: criteria provided, multiple submitters, no conflicts (2 of 4 stars). 5 submissions from 5 submitters: Uncertain significance (4). 1 of the submissions does not count toward it. Last evaluated 2026-09-15.

Conditions:
GJA5-related disorder. Also called: GJA5-related condition.
Atrial fibrillation, familial, 11 (ATFB11). Identifiers: MedGen C3279693, MONDO:0013544, OMIM 614049.
Atrial standstill 1 (ATRST1). Also called: ATRIAL CARDIOMYOPATHY WITH HEART BLOCK; CARDIOMYOPATHY, FAMILIAL, WITH CONDUCTION DISTURBANCE; Atrial standstill, digenic (GJA5/SCN5A). Identifiers: Orphanet 1344, MedGen C4551959, MONDO:0007171, OMIM 108770.
Atrial fibrillation. Identifiers: MedGen C0004238, MONDO:0004981, HP:0005110.

Allele frequency attached by ClinVar (database versions not stated): 1000 Genomes Project 30x 0.00016; gnomAD 0.00018 and 0.00020; 1000 Genomes Project 0.00020; TOPMed 0.00020; ExAC 0.00010; gnomAD exomes 0.00012.

Submissions (5):

PreventionGenetics, part of Exact Sciences
Classification: Uncertain significance for GJA5-related condition. Last evaluated: 2026-09-15. Review status: criteria provided, single submitter. Criteria: ACMG Guidelines, 2015. Collection method: clinical testing. Allele origin: germline.
Comment: The GJA5 c.286G>T variant is predicted to result in the amino acid substitution p.Ala96Ser. This variant has been reported in individuals with atrial fibrillation, long QT syndrome, Brugada syndrome, or sudden infant death syndrome (Gollob et al. 2006. PubMed ID: 16790700; Olesen et al. 2014. PubMed ID: 24144883; Neubauer et al. 2017. PubMed ID: 28074886; Online supplementary file 2, van Lint et al. 2019. PubMed ID: 30847666). Functional studies in cell lines and atria tissues suggested that this variant could alter cell-cell electrical coupling and channel conduction (Gollob et al. 2006. PubMed ID: 16790700; Santa Cruz et al. 2015. PubMed ID: 26503720; Kanthan et al. 2018. PubMed ID: 28457700). Mouse models showed that this variant could lead to decreased atrial conduction velocities, sustained episodes of induced atrial fibrillation, and renin-dependent hypertension (Lübkemeier et al. 2011. PubMed ID: 21597036; Lübkemeier et al. 2013. PubMed ID: 24060583). However, this variant is also reported in 0.026% of alleles in individuals of European (Non-Finnish) descent in gnomAD and interpreted as uncertain significance by the majority of submitters in ClinVar (ClinVar ID: 16998). At this time, the clinical significance of this variant is uncertain due to the absence of conclusive functional and genetic evidence.

Labcorp Genetics (formerly Invitae), Labcorp
Classification: Uncertain significance for Atrial fibrillation, familial, 11; Atrial standstill 1. Last evaluated: 2025-12-15. Review status: criteria provided, single submitter. Criteria: Invitae Variant Classification Sherloc (09022015). Collection method: clinical testing. Allele origin: germline.
Comment: This sequence change replaces alanine, which is neutral and non-polar, with serine, which is neutral and polar, at codon 96 of the GJA5 protein (p.Ala96Ser). This variant is present in population databases (rs121434557, gnomAD 0.02%). This missense change has been observed in individual(s) with clinical features of GJA5-related conditions (PMID: 16790700, 24144883, 28074886, 30847666). ClinVar contains an entry for this variant (Variation ID: 16998). Invitae Evidence Modeling of protein sequence and biophysical properties (such as structural, functional, and spatial information, amino acid conservation, physicochemical variation, residue mobility, and thermodynamic stability) indicates that this missense variant is not expected to disrupt GJA5 protein function with a negative predictive value of 80%. Experimental studies have shown that this missense change affects GJA5 function (PMID: 16790700, 24060583, 26503720, 28457700). In summary, the available evidence is currently insufficient to determine the role of this variant in disease. Therefore, it has been classified as a Variant of Uncertain Significance.

GeneDx
Classification: Uncertain significance. Last evaluated: 2025-03-18. Review status: criteria provided, single submitter. Criteria: GeneDx Variant Classification Process June 2021. Collection method: clinical testing. Allele origin: germline. Affected: yes.
Comment: In silico analysis indicates that this missense variant does not alter protein structure/function; This variant is associated with the following publications: (PMID: 23292621, 28074886, 21597036, 26503720, 16790700, 24656738, 23040431, 28457700, 24626989, 9588401, 33664309, 31589614, 34697415, 27374306, 24060583, 24144883, 30847666)

Lildballe Lab, Aarhus University Hospital
Classification: Uncertain significance for Atrial fibrillation. Last evaluated: 2024-03-01. Review status: criteria provided, single submitter. Criteria: ACMG Guidelines, 2015. Collection method: research. Allele origin: germline. Affected: yes.
Comment: PM2(s), BS2(s), PP3(s)

OMIM
Classification: Pathogenic for ATRIAL FIBRILLATION, FAMILIAL, 11. Last evaluated: 2006-06-22. Review status: no assertion criteria provided. Collection method: literature only. Allele origin: germline. Not counted in ClinVar's aggregate classification.

Literature cited by the submitters: PubMed 16790700 (cited by Labcorp Genetics (formerly Invitae), Labcorp and OMIM); PubMed 24144883 (cited by Labcorp Genetics (formerly Invitae), Labcorp); PubMed 28074886 (cited by Labcorp Genetics (formerly Invitae), Labcorp); PubMed 30847666 (cited by Labcorp Genetics (formerly Invitae), Labcorp); PubMed 24060583 (cited by Labcorp Genetics (formerly Invitae), Labcorp); PubMed 26503720 (cited by Labcorp Genetics (formerly Invitae), Labcorp); PubMed 28457700 (cited by Labcorp Genetics (formerly Invitae), Labcorp); PubMed 25741878 (cited by Lildballe Lab, Aarhus University Hospital); PubMed 39481677 (cited by Lildballe Lab, Aarhus University Hospital); PubMed 9588401 (cited by OMIM).

NM_181703.4(GJA5):c.286G>T (p.Ala96Ser)

Gene: GJA5 (gap junction protein alpha 5; minus strand). Cytogenetic location: 1q21.2.
Variant type: single nucleotide variant.
Coding change: c.286G>T on transcript NM_181703.4 (MANE Select); coding-DNA position 286, G replaced by T.
Protein change: p.Ala96Ser; replaces alanine 96 with serine.
Molecular consequence: missense variant.
Genome position (GRCh38, 1-based): chr1:147,758,953, C>A on the plus strand (G>T on the coding strand, the complement: GJA5 is on the minus strand). VCF-style: chr1-147758953-C-A. GRCh37 (hg19) VCF-style: chr1-147231061-C-A.
Other names: c.286G>T, p.Ala96Ser (NM_005266.7); short protein forms A96S.
Identifiers: ClinVar variation 16998 (VCV000016998.29), dbSNP rs121434557, ClinGen allele CA127021.